The following is an entry in ClinVar:

NM_001080467.3(MYO5B):c.526G>A (p.Ala176Thr)

Gene: MYO5B (myosin VB; minus strand). Cytogenetic location: 18q21.1.
Variant type: single nucleotide variant.
Coding change: c.526G>A on transcript NM_001080467.3 (MANE Select); coding-DNA position 526, G replaced by A.
Protein change: p.Ala176Thr; replaces alanine 176 with threonine.
Molecular consequence: missense variant.
Genome position (GRCh38, 1-based): chr18:50,001,341, C>T on the plus strand (G>A on the coding strand, the complement: MYO5B is on the minus strand). VCF-style: chr18-50001341-C-T. GRCh37 (hg19) VCF-style: chr18-47527711-C-T.
Other names: short protein forms A176T.
Identifiers: ClinVar variation 4739830 (VCV004739830.1).
Genomic context (GRCh38, chr18:50,001,341, plus strand): 5'-CCTTCTCTTCGATGTTGGTTTCACTGGCCGAGCCACCAACGGTGGCGAAATAGCGCATGG[C>T]ATACTTGGCTGATACCGTCTTCCCGGCTCCAGACTCCCCACTGACTATGATGGACTGATT-3'
Protein context (NP_001073936.1, residues 166-186): GAGKTVSAKY[Ala176Thr]MRYFATVGGS

ClinVar aggregate classification (germline): Uncertain significance (1 of 4 stars; one submission).

gnomAD v4.1: 1 of 1,614,186 alleles (0.000062%); highest among the groups gnomAD compares: Non-Finnish European, 0.000085%; no homozygotes.

Submission:

Labcorp Genetics (formerly Invitae), Labcorp
Classification: Uncertain significance. Last evaluated: 2025-12-22. Review status: criteria provided, single submitter. Criteria: Invitae Variant Classification Sherloc (09022015). Collection method: clinical testing. Allele origin: germline.
Comment: This sequence change replaces alanine, which is neutral and non-polar, with threonine, which is neutral and polar, at codon 176 of the MYO5B protein (p.Ala176Thr). This variant is present in population databases (no rsID available, gnomAD 0.0009%). This variant has not been reported in the literature in individuals affected with MYO5B-related conditions. Invitae Evidence Modeling of protein sequence and biophysical properties (such as structural, functional, and spatial information, amino acid conservation, physicochemical variation, residue mobility, and thermodynamic stability) indicates that this missense variant is not expected to disrupt MYO5B protein function with a negative predictive value of 80%. In summary, the available evidence is currently insufficient to determine the role of this variant in disease. Therefore, it has been classified as a Variant of Uncertain Significance.